The following is an entry in ClinVar:

ClinVar aggregate classification (germline): Benign (1 of 4 stars; one submission).

Conditions:
Melanoma, cutaneous malignant, susceptibility to, 3. Also called: Cutaneous malignant melanoma 3. Identifiers: Orphanet 618, MedGen C1836892, MONDO:0012183, OMIM 609048.

Submission:

Myriad Genetics, Inc.
Classification: Benign for Melanoma, cutaneous malignant, susceptibility to, 3. Last evaluated: 2024-09-24. Review status: criteria provided, single submitter. Criteria: Myriad Autosomal Dominant, Autosomal Recessive and X-Linked Classification Criteria (2023). Collection method: clinical testing. Allele origin: unknown.
Comment: This variant is considered benign. This variant is a silent/synonymous amino acid change and it is not expected to impact splicing.

NM_000075.4(CDK4):c.54G>C (p.Gly18=)

Gene: CDK4 (cyclin dependent kinase 4; minus strand). Cytogenetic location: 12q14.1.
Variant type: single nucleotide variant.
Coding change: c.54G>C on transcript NM_000075.4 (MANE Select); coding-DNA position 54, G replaced by C.
Protein change: p.Gly18=; no amino-acid change (glycine 18 retained).
Molecular consequence: synonymous variant.
Genome position (GRCh38, 1-based): chr12:57,751,664, C>G on the plus strand (G>C on the coding strand, the complement: CDK4 is on the minus strand). VCF-style: chr12-57751664-C-G. GRCh37 (hg19) VCF-style: chr12-58145447-C-G.
Identifiers: ClinVar variation 3378718 (VCV003378718.1).